The following is an entry in ClinVar:

NM_001308210.2(TSHZ1):c.2713G>T (p.Ala905Ser)

Gene: TSHZ1 (teashirt zinc finger homeobox 1; plus strand). Cytogenetic location: 18q22.3.
Variant type: single nucleotide variant.
Coding change: c.2713G>T on transcript NM_001308210.2 (MANE Select); coding-DNA position 2713, G replaced by T.
Protein change: p.Ala905Ser; replaces alanine 905 with serine.
Molecular consequence: missense variant.
Genome position (GRCh38, 1-based): chr18:75,288,120, G>T. VCF-style: chr18-75288120-G-T. GRCh37 (hg19) VCF-style: chr18-73000075-G-T.
Other names: c.2578G>T, p.Ala860Ser (NM_005786.6); short protein forms A860S, A905S.
Identifiers: ClinVar variation 4977564 (VCV004977564.1).

ClinVar aggregate classification (germline): Uncertain significance (1 of 4 stars; one submission).

Conditions:
TSHZ1-related disorder. Also called: TSHZ1-related condition.

Submission:

PreventionGenetics, part of Exact Sciences
Classification: Uncertain significance for TSHZ1-related condition. Last evaluated: 2026-01-05. Review status: criteria provided, single submitter. Criteria: ACMG Guidelines, 2015. Collection method: clinical testing. Allele origin: germline.
Comment: The TSHZ1 c.2578G>T variant is predicted to result in the amino acid substitution p.Ala860Ser. To our knowledge, this variant has not been reported in the literature. This variant is reported in 0.0039% of alleles in individuals of European (Non-Finnish) descent in gnomAD. At this time, the clinical significance of this variant is uncertain due to the absence of conclusive functional and genetic evidence.